The following is an entry in ClinVar:

NM_014249.4(NR2E3):c.1039G>C (p.Asp347His)

Gene: NR2E3 (nuclear receptor subfamily 2 group E member 3; plus strand). Cytogenetic location: 15q23.
Variant type: single nucleotide variant.
Coding change: c.1039G>C on transcript NM_014249.4 (MANE Select); coding-DNA position 1039, G replaced by C.
Protein change: p.Asp347His; replaces aspartic acid 347 with histidine.
Molecular consequence: missense variant.
Genome position (GRCh38, 1-based): chr15:71,814,056, G>C. VCF-style: chr15-71814056-G-C. GRCh37 (hg19) VCF-style: chr15-72106397-G-C.
Other names: c.1039G>C, p.Asp347His (NM_016346.4); short protein forms D347H.
Identifiers: ClinVar variation 4537474 (VCV004537474.1).

ClinVar aggregate classification (germline): Likely pathogenic (1 of 4 stars; one submission).

Conditions:
Retinitis pigmentosa 37 (RP37). Identifiers: Orphanet 791, MedGen C1970163, MONDO:0012625, OMIM 611131.

Submission:

Research Institute for Ophthalmology and Vision Science, Shahid Beheshti University of Medical Sciences
Classification: Likely pathogenic for Retinitis pigmentosa 37. Last evaluated: 2025-12-13. Review status: criteria provided, single submitter. Criteria: ACMG Guidelines, 2015. Collection method: research. Allele origin: inherited. Inheritance: Autosomal recessive inheritance. Affected: yes.
Comment: This variant is absent from gnomAD databases. Computational prediction tools identified it as deleterious. It co-segregated with the disease in affected individuals within a family.